The following is an entry in ClinVar:

NM_000447.3(PSEN2):c.537G>A (p.Leu179=)

Gene: PSEN2 (presenilin 2; plus strand). Cytogenetic location: 1q42.13.
Variant type: single nucleotide variant.
Coding change: c.537G>A on transcript NM_000447.3 (MANE Select); coding-DNA position 537, G replaced by A.
Protein change: p.Leu179=; no amino-acid change (leucine 179 retained).
Molecular consequence: synonymous variant.
Genome position (GRCh38, 1-based): chr1:226,888,129, G>A. VCF-style: chr1-226888129-G-A. GRCh37 (hg19) VCF-style: chr1-227075830-G-A.
Other names: c.537G>A, p.Leu179= (NM_012486.3).
Identifiers: ClinVar variation 2875189 (VCV002875189.4), dbSNP rs201896763, ClinGen allele CA38618898.

ClinVar aggregate classification (germline): Likely benign. Review status: criteria provided, multiple submitters, no conflicts (2 of 4 stars). 2 submissions from 2 submitters: Likely benign (2). Last evaluated 2026-08-01.

Conditions:
Alzheimer disease 4 (AD4). Identifiers: Orphanet 1020, MedGen C1847200, MONDO:0011743, OMIM 606889.

Allele frequency attached by ClinVar (database versions not stated): TOPMed 0.00004; gnomAD 0.00005; ESP Exome Variant Server 0.00008.
gnomAD v4.1: 40 of 1,613,758 alleles (0.0025%); highest among the groups gnomAD compares: Admixed American, 0.0033%; 1 homozygote.

Submissions (2):

CeGaT Center for Human Genetics Tuebingen
Classification: Likely benign. Last evaluated: 2026-08-01. Review status: criteria provided, single submitter. Criteria: CeGaT Center For Human Genetics Tuebingen Variant Classification Criteria Version 2. Collection method: clinical testing. Allele origin: germline. Affected: yes. Observed: 1 variant allele.
Comment: PSEN2: BP4, BP7

Labcorp Genetics (formerly Invitae), Labcorp
Classification: Likely benign for Alzheimer disease 4. Last evaluated: 2023-12-03. Review status: criteria provided, single submitter. Criteria: Invitae Variant Classification Sherloc (09022015). Collection method: clinical testing. Allele origin: germline.